The following is an entry in ClinVar:

ClinVar aggregate classification (germline): Pathogenic (1 of 4 stars; one submission).

Conditions:
Hereditary hyperekplexia. Identifiers: Orphanet 3197, MedGen C4084968, MONDO:0021022.

Submission:

Labcorp Genetics (formerly Invitae), Labcorp
Classification: Pathogenic for Hereditary hyperekplexia. Last evaluated: 2022-09-24. Review status: criteria provided, single submitter. Criteria: Invitae Variant Classification Sherloc (09022015). Collection method: clinical testing. Allele origin: germline.
Comment: This variant has not been reported in the literature in individuals affected with GLRA1-related conditions. This sequence change creates a premature translational stop signal (p.Tyr86*) in the GLRA1 gene. It is expected to result in an absent or disrupted protein product. Loss-of-function variants in GLRA1 are known to be pathogenic (PMID: 20631190, 24108130). This variant is not present in population databases (gnomAD no frequency). For these reasons, this variant has been classified as Pathogenic.

Literature cited by the submitters: PubMed 20631190; PubMed 24108130.

NM_000171.4(GLRA1):c.258_260del (p.Tyr86_Arg87delinsTer)

Gene: GLRA1 (glycine receptor alpha 1; minus strand). Cytogenetic location: 5q33.1.
Variant type: Deletion.
Coding change: c.258_260del on transcript NM_000171.4 (MANE Select); coding-DNA positions 258 to 260, 3 bases deleted (TAG; older notation c.258_260delTAG).
Protein change: p.Tyr86_Arg87delinsTer.
Molecular consequence: nonsense.
Genome position (GRCh38, 1-based): chr5:151,860,001-151,860,003, CTA deleted on the plus strand (TAG on the coding strand, the reverse complement: GLRA1 is on the minus strand). VCF-style (leftmost placement, unchanged base first): chr5-151860000-CCTA-C. GRCh37 (hg19) VCF-style: chr5-151239561-CCTA-C.
Other names: c.258_260del, p.Tyr86_Arg87delinsTer (NM_001146040.2); c.9_11del, p.Tyr3_Arg4delinsTer (NM_001292000.2).
Identifiers: ClinVar variation 2014746 (VCV002014746.4), dbSNP rs2479991693, ClinGen allele CA2580073920.
Genomic context (GRCh38, chr5:151,860,000, plus strand): 5'-AGGGTATTCATTATAGGCCAGGCGGGGGTCGTTCCATTGCTGCCGCAGGAAGATGTTGAC[CCTA>C]TAGTCCTACAGCCAGGAAATAACAAGGTGAAGGCAATGTTAGGCCCAAGGACATCAACTT-3'